The following is an entry in ClinVar:

ClinVar aggregate classification (germline): Pathogenic/Likely pathogenic. Review status: criteria provided, multiple submitters, no conflicts (2 of 4 stars). 3 submissions from 3 submitters: Pathogenic (2); Likely pathogenic (1). Last evaluated 2025-05-22.

Conditions:
Hereditary breast ovarian cancer syndrome. Also called: BRCA1- and BRCA2-Associated Hereditary Breast and Ovarian Cancer; Hereditary breast and ovarian cancer; Hereditary breast and/or ovarian cancer syndrome; Hereditary breast and ovarian cancer syndrome; Breast and ovarian cancer; Hereditary breast and ovarian cancer syndrome (HBOC). Identifiers: Orphanet 145, MedGen C0677776, MeSH D061325, MONDO:0003582. Disease mechanism: loss of function.

Submissions (3):

Labcorp Genetics (formerly Invitae), Labcorp
Classification: Pathogenic for Hereditary breast ovarian cancer syndrome. Last evaluated: 2025-05-22. Review status: criteria provided, single submitter. Criteria: Invitae Variant Classification Sherloc (09022015). Collection method: clinical testing. Allele origin: germline.
Comment: This sequence change creates a premature translational stop signal (p.Asn2431Lysfs*8) in the BRCA2 gene. It is expected to result in an absent or disrupted protein product. Loss-of-function variants in BRCA2 are known to be pathogenic (PMID: 20104584). This variant is not present in population databases (gnomAD no frequency). This variant has not been reported in the literature in individuals affected with BRCA2-related conditions. ClinVar contains an entry for this variant (Variation ID: 1074790). For these reasons, this variant has been classified as Pathogenic.

GeneDx
Classification: Pathogenic. Last evaluated: 2024-04-11. Review status: criteria provided, single submitter. Criteria: GeneDx Variant Classification Process June 2021. Collection method: clinical testing. Allele origin: germline.
Comment: Frameshift variant predicted to result in protein truncation or nonsense mediated decay in a gene for which loss of function is a known mechanism of disease; Not observed at significant frequency in large population cohorts (gnomAD); Truncating variants in this gene are considered pathogenic by a well-established clinical consortium and/or database; Has not been previously published as pathogenic or benign to our knowledge; Also known as 7520dup; This variant is associated with the following publications: (PMID: 20104584)

Quest Diagnostics Nichols Institute San Juan Capistrano
Classification: Likely pathogenic. Last evaluated: 2020-10-03. Review status: criteria provided, single submitter. Criteria: Quest Diagnostics criteria. Collection method: clinical testing. Allele origin: unknown.
Comment: This frameshift variant alters the translational reading frame of the BRCA2 mRNA and is predicted to cause the premature termination of BRCA2 protein synthesis. To the best of our knowledge, the variant has not been reported in the published literature. This variant has not been reported in large, multi-ethnic general populations. Based on the available information, we predict that the variant is likely pathogenic.

Literature cited by the submitters: PubMed 20104584 (cited by Labcorp Genetics (formerly Invitae), Labcorp).

NM_000059.4(BRCA2):c.7292dup (p.Asn2431fs)

Gene: BRCA2 (BRCA2 DNA repair associated; plus strand). Cytogenetic location: 13q13.1.
Variant type: Duplication.
Coding change: c.7292dup on transcript NM_000059.4 (MANE Select); coding-DNA position 7292, one base duplicated (A; older notation c.7292dupA).
Protein change: p.Asn2431fs; shifts the reading frame from asparagine 2431.
Molecular consequence: frameshift variant.
Genome position (GRCh38, 1-based): chr13:32,355,145, A duplicated; the last of 4 consecutive A bases (chr13:32,355,142-32,355,145); duplicating any one gives the same sequence. VCF-style (leftmost placement, unchanged base first): chr13-32355141-G-GA. GRCh37 (hg19) VCF-style: chr13-32929278-G-GA.
Other names: short protein forms N2431fs.
Identifiers: ClinVar variation 1074790 (VCV001074790.10), dbSNP rs2137557686, ClinGen allele CA2499222278.